The following is an entry in ClinVar:

NM_006019.4(TCIRG1):c.367C>T (p.His123Tyr)

Gene: TCIRG1 (T cell immune regulator 1, ATPase H+ transporting V0 subunit a3; plus strand). Cytogenetic location: 11q13.2.
Variant type: single nucleotide variant.
Coding change: c.367C>T on transcript NM_006019.4 (MANE Select); coding-DNA position 367, C replaced by T.
Protein change: p.His123Tyr; replaces histidine 123 with tyrosine.
Molecular consequence: missense variant. On other transcripts: 5 prime UTR variant (1).
Genome position (GRCh38, 1-based): chr11:68,042,813, C>T. VCF-style: chr11-68042813-C-T. GRCh37 (hg19) VCF-style: chr11-67810280-C-T.
Other names: c.-883C>T (NM_001351059.2); short protein forms H123Y.
Identifiers: ClinVar variation 2141157 (VCV002141157.1), dbSNP rs2495615753, ClinGen allele CA381576338.

ClinVar aggregate classification (germline): Uncertain significance (1 of 4 stars; one submission).

Submission:

Labcorp Genetics (formerly Invitae), Labcorp
Classification: Uncertain significance. Last evaluated: 2022-05-27. Review status: criteria provided, single submitter. Criteria: Invitae Variant Classification Sherloc (09022015). Collection method: clinical testing. Allele origin: germline.
Comment: This sequence change replaces histidine, which is basic and polar, with tyrosine, which is neutral and polar, at codon 123 of the TCIRG1 protein (p.His123Tyr). This variant is not present in population databases (gnomAD no frequency). This variant has not been reported in the literature in individuals affected with TCIRG1-related conditions. Algorithms developed to predict the effect of missense changes on protein structure and function (SIFT, PolyPhen-2, Align-GVGD) all suggest that this variant is likely to be tolerated. In summary, the available evidence is currently insufficient to determine the role of this variant in disease. Therefore, it has been classified as a Variant of Uncertain Significance.